The following is an entry in ClinVar:

NM_001843.4(CNTN1):c.2506del (p.Lys835_Ile836insTer)

Gene: CNTN1 (contactin 1; plus strand). Cytogenetic location: 12q12.
Variant type: Deletion.
Coding change: c.2506del on transcript NM_001843.4 (MANE Select); coding-DNA position 2506, one base deleted (A; older notation c.2506delA).
Protein change: p.Lys835_Ile836insTer.
Molecular consequence: nonsense.
Genome position (GRCh38, 1-based): chr12:41,020,423, A deleted; the last of 6 consecutive A bases (chr12:41,020,418-41,020,423); deleting any one gives the same sequence. VCF-style (leftmost placement, unchanged base first): chr12-41020417-GA-G. GRCh37 (hg19) VCF-style: chr12-41414219-GA-G.
Other names: c.2473del, p.Lys824_Ile825insTer (NM_175038.2).
Identifiers: ClinVar variation 651866 (VCV000651866.7), dbSNP rs1592415275, ClinGen allele CA645596415.
Genomic context (GRCh38, chr12:41,020,417, plus strand): 5'-GAAGTAGGTGTAAAAGTCTTATCATCTTCTGAGATATCTGTTCATTGGGAACATGTTTTA[GA>G]AAAAATAGTGGAAAGCTATCAGGTACGTTAAATTTTTATCAAACTAAATACATTTATTCA-3'

ClinVar aggregate classification (germline): Pathogenic (1 of 4 stars; one submission).

Conditions:
Compton-North congenital myopathy (CMYO12). Identifiers: Orphanet 210163, MedGen C2675527, MONDO:0012929, OMIM 612540.

Submission:

Labcorp Genetics (formerly Invitae), Labcorp
Classification: Pathogenic for Compton-North congenital myopathy. Last evaluated: 2022-02-03. Review status: criteria provided, single submitter. Criteria: Invitae Variant Classification Sherloc (09022015). Collection method: clinical testing. Allele origin: germline.
Comment: This sequence change creates a premature translational stop signal (p.Ile836*) in the CNTN1 gene. It is expected to result in an absent or disrupted protein product. Loss-of-function variants in CNTN1 are known to be pathogenic (PMID: 19026398, 22242131). For these reasons, this variant has been classified as Pathogenic. ClinVar contains an entry for this variant (Variation ID: 651866). This variant has not been reported in the literature in individuals affected with CNTN1-related conditions. This variant is not present in population databases (gnomAD no frequency).

Literature cited by the submitters: PubMed 19026398; PubMed 22242131.